The following is an entry in ClinVar:

NM_018367.7(ACER3):c.289A>T (p.Ile97Leu)

Gene: ACER3 (alkaline ceramidase 3; plus strand). Cytogenetic location: 11q13.5.
Variant type: single nucleotide variant.
Coding change: c.289A>T on transcript NM_018367.7 (MANE Select); coding-DNA position 289, A replaced by T.
Protein change: p.Ile97Leu; replaces isoleucine 97 with leucine.
Molecular consequence: missense variant.
Genome position (GRCh38, 1-based): chr11:76,976,310, A>T. VCF-style: chr11-76976310-A-T. GRCh37 (hg19) VCF-style: chr11-76687354-A-T.
Other names: c.178A>T, p.Ile60Leu (NM_001300953.2); c.4A>T, p.Ile2Leu (NM_001300954.2, NM_001300955.2); c.289A>T (NM_018367.5); short protein forms I2L, I60L, I97L.
Identifiers: ClinVar variation 2062800 (VCV002062800.5), dbSNP rs776323067, ClinGen allele CA6195636.

ClinVar aggregate classification (germline): Uncertain significance. Review status: criteria provided, multiple submitters, no conflicts (2 of 4 stars). 2 submissions from 2 submitters: Uncertain significance (2). Last evaluated 2025-10-01.

Allele frequency attached by ClinVar (database versions not stated): gnomAD exomes below 0.00001; ExAC 0.00001; TOPMed 0.00001.
gnomAD v4.1: 4 of 1,606,516 alleles (0.00025%); highest among the groups gnomAD compares: Non-Finnish European, 0.00034%; no homozygotes.

Submissions (2):

Labcorp Genetics (formerly Invitae), Labcorp
Classification: Uncertain significance. Last evaluated: 2025-10-01. Review status: criteria provided, single submitter. Criteria: Invitae Variant Classification Sherloc (09022015). Collection method: clinical testing. Allele origin: germline.
Comment: This sequence change replaces isoleucine, which is neutral and non-polar, with leucine, which is neutral and non-polar, at codon 97 of the ACER3 protein (p.Ile97Leu). This variant is present in population databases (rs776323067, gnomAD 0.0009%). This variant has not been reported in the literature in individuals affected with ACER3-related conditions. ClinVar contains an entry for this variant (Variation ID: 2062800). Invitae Evidence Modeling of protein sequence and biophysical properties (such as structural, functional, and spatial information, amino acid conservation, physicochemical variation, residue mobility, and thermodynamic stability) indicates that this missense variant is not expected to disrupt ACER3 protein function with a negative predictive value of 80%. In summary, the available evidence is currently insufficient to determine the role of this variant in disease. Therefore, it has been classified as a Variant of Uncertain Significance.

Ambry Genetics
Classification: Uncertain significance. Last evaluated: 2024-06-30. Review status: criteria provided, single submitter. Criteria: Ambry Variant Classification Scheme 2023. Collection method: clinical testing. Allele origin: germline.